The following is an entry in ClinVar:

NM_001734.5(C1S):c.518-1G>A

Gene: C1S (complement C1s; plus strand). Cytogenetic location: 12p13.31.
Variant type: single nucleotide variant.
Coding change: c.518-1G>A on transcript NM_001734.5 (MANE Select); the canonical splice acceptor site of the intron before coding-DNA position 518, G replaced by A.
Molecular consequence: splice acceptor variant.
Genome position (GRCh38, 1-based): chr12:7,065,099, G>A. VCF-style: chr12-7065099-G-A. GRCh37 (hg19) VCF-style: chr12-7172403-G-A.
Other names: c.518-1G>A (NM_201442.4); c.17-1G>A (NM_001346850.2).
Identifiers: ClinVar variation 4883298 (VCV004883298.2).

ClinVar aggregate classification (germline): Likely pathogenic (1 of 4 stars; one submission).

Submission:

Dasa
Classification: Likely pathogenic. Last evaluated: 2026-01-30. Review status: criteria provided, single submitter. Criteria: DASA Assertion Criteria. Collection method: clinical testing. Allele origin: germline.
Comment: NM_001734.5(C1S):c.518-1G>A affects a canonical splice site and is predicted to disrupt normal RNA splicing. Loss of function is an established disease mechanism for C1S-associated disorders. Also, this variant is rare in population databases. Based on the currently available evidence, this variant is classified as likely pathogenic.